The following is an entry in ClinVar:

ClinVar aggregate classification (germline): Uncertain significance (1 of 4 stars; one submission).

Conditions:
Cardiovascular phenotype. Identifiers: MedGen CN230736.

Submission:

Ambry Genetics
Classification: Uncertain significance for Cardiovascular phenotype. Last evaluated: 2025-06-03. Review status: criteria provided, single submitter. Criteria: Ambry Variant Classification Scheme 2023. Collection method: clinical testing. Allele origin: germline.
Comment: The c.12292_12304del13 variant, located in coding exon 90 of the RYR2 gene, results from a deletion of 13 nucleotides at nucleotide positions 12292 to 12304, causing a translational frameshift with a predicted alternate stop codon (p.V4098*). This alteration is expected to result in protein truncation or nonsense-mediated mRNA decay. However, loss of function of RYR2 has not been established as a mechanism of disease. Based on the available evidence, the clinical significance of this alteration remains unclear.

NM_001035.3(RYR2):c.12292_12304del (p.Asn4097_Val4098insTer)

Gene: RYR2 (ryanodine receptor 2; plus strand). Cytogenetic location: 1q43.
Variant type: Deletion.
Coding change: c.12292_12304del on transcript NM_001035.3 (MANE Select); coding-DNA positions 12292 to 12304, 13 bases deleted (GTCGCCGTCCTTC).
Protein change: p.Asn4097_Val4098insTer.
Molecular consequence: nonsense.
Genome position (GRCh38, 1-based): chr1:237,784,004-237,784,016, GTCGCCGTCCTTC deleted; deleting any 13 consecutive bases within chr1:237,784,003-237,784,016 gives the same sequence; the c. name uses the placement nearest the transcript's 3' end. VCF-style (leftmost placement, unchanged base first): chr1-237784002-ACGTCGCCGTCCTT-A. GRCh37 (hg19) VCF-style: chr1-237947302-ACGTCGCCGTCCTT-A.
Identifiers: ClinVar variation 3949068 (VCV003949068.1).